The following is an entry in ClinVar:

NM_003072.5(SMARCA4):c.1119-14G>T

Gene: SMARCA4 (SWI/SNF related BAF chromatin remodeling complex subunit ATPase 4; plus strand). Cytogenetic location: 19p13.2.
Variant type: single nucleotide variant.
Coding change: c.1119-14G>T on transcript NM_003072.5 (MANE Select); 14 bases into the intron before coding-DNA position 1119, G replaced by T.
Molecular consequence: intron variant.
Genome position (GRCh38, 1-based): chr19:10,989,303, G>T. VCF-style: chr19-10989303-G-T. GRCh37 (hg19) VCF-style: chr19-11099979-G-T.
Other names: c.1119-14G>T (NM_001128844.3, NM_001128849.3, NM_001128847.4 and 5 more transcripts).
Identifiers: ClinVar variation 1648910 (VCV001648910.9), dbSNP rs201968918, ClinGen allele CA9203698.

ClinVar aggregate classification (germline): Likely benign. Review status: criteria provided, multiple submitters, no conflicts (2 of 4 stars). 2 submissions from 2 submitters: Likely benign (2). Last evaluated 2026-07-06.

Conditions:
Rhabdoid tumor predisposition syndrome 2 (RTPS2). Identifiers: Orphanet 231108, Orphanet 69077, MedGen C2750074, MONDO:0013224, OMIM 613325.

Allele frequency attached by ClinVar (database versions not stated): ExAC 0.00002; gnomAD exomes 0.00001 and below 0.00001; gnomAD 0.00007; ESP Exome Variant Server 0.00008; TOPMed 0.00003; 1000 Genomes Project 30x 0.00031; 1000 Genomes Project 0.00020.
gnomAD v4.1: 14 of 1,613,804 alleles (0.00087%); highest among the groups gnomAD compares: African/African-American, 0.016%; no homozygotes.

Submissions (2):

Myriad Genetics, Inc.
Classification: Likely benign for Rhabdoid tumor predisposition syndrome 2. Last evaluated: 2026-07-06. Review status: criteria provided, single submitter. Criteria: Myriad Autosomal Dominant, Autosomal Recessive and X-Linked Classification Criteria (2023). Collection method: clinical testing. Allele origin: unknown.
Comment: This variant is considered likely benign. This variant is intronic and is not expected to impact mRNA splicing.

Labcorp Genetics (formerly Invitae), Labcorp
Classification: Likely benign for Rhabdoid tumor predisposition syndrome 2. Last evaluated: 2026-01-27. Review status: criteria provided, single submitter. Criteria: Invitae Variant Classification Sherloc (09022015). Collection method: clinical testing. Allele origin: germline.